The following is an entry in ClinVar:

ClinVar aggregate classification (germline): Benign/Likely benign. Review status: criteria provided, multiple submitters, no conflicts (2 of 4 stars). 8 submissions from 8 submitters: Benign (4); Likely benign (3). 1 of the submissions does not count toward it. Last evaluated 2026-03-01.

Conditions:
RIPK4-related disorder. Also called: RIPK4-related condition.
Bartsocas-Papas syndrome 1. Also called: PTERYGIUM, POPLITEAL, LETHAL TYPE; Bartsocas-Papas syndrome; MULTIPLE PTERYGIUM SYNDROME, ASLAN TYPE. Identifiers: Orphanet 1234, MedGen C1849718, MONDO:0009901, OMIM 263650.

Allele frequency attached by ClinVar (database versions not stated): 1000 Genomes Project 0.00280; 1000 Genomes Project 30x 0.00312; ExAC 0.00567; gnomAD 0.00575 and 0.00597; gnomAD exomes 0.00605; TOPMed 0.00672; ESP Exome Variant Server 0.00700.
gnomAD v4.1: 13,552 of 1,612,138 alleles (0.84%); highest among the groups gnomAD compares: Non-Finnish European, 1%; 81 homozygotes.

Submissions (8):

CeGaT Center for Human Genetics Tuebingen
Classification: Benign. Last evaluated: 2026-03-01. Review status: criteria provided, single submitter. Criteria: CeGaT Center For Human Genetics Tuebingen Variant Classification Criteria Version 2. Collection method: clinical testing. Allele origin: germline. Affected: yes. Observed: 7 variant alleles.
Comment: RIPK4: BP4, BS1, BS2

Blueprint Genetics
Classification: Likely benign. Last evaluated: 2024-11-27. Review status: criteria provided, single submitter. Criteria: ACMG Guidelines, 2015. Collection method: clinical testing. Allele origin: germline.

GeneDx
Classification: Benign. Last evaluated: 2020-04-06. Review status: criteria provided, single submitter. Criteria: GeneDx Variant Classification Process June 2021. Collection method: clinical testing. Allele origin: germline. Affected: yes.

Labcorp Genetics (formerly Invitae), Labcorp
Classification: Benign. Last evaluated: 2019-12-31. Review status: criteria provided, single submitter. Criteria: Invitae Variant Classification Sherloc (09022015). Collection method: clinical testing. Allele origin: germline.

Illumina Laboratory Services, Illumina
Classification: Likely benign for Bartsocas-Papas syndrome 1. Last evaluated: 2018-01-13. Review status: criteria provided, single submitter. Criteria: ICSL Variant Classification Criteria 13 December 2019. Collection method: clinical testing. Allele origin: germline.
Comment: This variant was observed in the ICSL laboratory as part of a predisposition screen in an ostensibly healthy population. It had not been previously curated by ICSL or reported in the Human Gene Mutation Database (HGMD: prior to June 1st, 2018), and was therefore a candidate for classification through an automated scoring system. Utilizing variant allele frequency, disease prevalence and penetrance estimates, and inheritance mode, an automated score was calculated to assess if this variant is too frequent to cause the disease. Based on the score and internal cut-off values, a variant classified as likely benign is not then subjected to further curation. The score for this variant resulted in a classification of likely benign for this disease.

Center for Pediatric Genomic Medicine, Children's Mercy Hospital and Clinics
Classification: Benign. Last evaluated: 2015-12-23. Review status: criteria provided, single submitter. Criteria: ACMG Guidelines, 2015. Collection method: clinical testing. Allele origin: germline.

Breakthrough Genomics
Classification: Likely benign. Review status: criteria provided, single submitter. Criteria: ACMG Guidelines, 2015. Collection method: not provided. Allele origin: germline. Inheritance: Autosomal recessive inheritance. Affected: yes.

PreventionGenetics, part of Exact Sciences
Classification: Likely benign for RIPK4-related condition. Last evaluated: 2020-01-31. Review status: no assertion criteria provided. Collection method: clinical testing. Allele origin: germline. Not counted in ClinVar's aggregate classification.
Comment: This variant is classified as likely benign based on ACMG/AMP sequence variant interpretation guidelines (Richards et al. 2015 PMID: 25741868, with internal and published modifications).

NM_020639.3(RIPK4):c.2101C>T (p.Pro701Ser)

Gene: RIPK4 (receptor interacting serine/threonine kinase 4; minus strand). Cytogenetic location: 21q22.3.
Variant type: single nucleotide variant.
Coding change: c.2101C>T on transcript NM_020639.3 (MANE Select); coding-DNA position 2101, C replaced by T.
Protein change: p.Pro701Ser; replaces proline 701 with serine.
Molecular consequence: missense variant.
Genome position (GRCh38, 1-based): chr21:41,741,092, G>A on the plus strand (C>T on the coding strand, the complement: RIPK4 is on the minus strand). VCF-style: chr21-41741092-G-A. GRCh37 (hg19) VCF-style: chr21-43161252-G-A.
Other names: short protein forms P701S.
Identifiers: ClinVar variation 235557 (VCV000235557.46), dbSNP rs35537517, ClinGen allele CA10035132.